The following is an entry in ClinVar:

ClinVar aggregate classification (germline): Uncertain significance. Review status: criteria provided, multiple submitters, no conflicts (2 of 4 stars). 4 submissions from 4 submitters: Uncertain significance (3). 1 of the submissions does not count toward it. Last evaluated 2025-12-10.

Conditions:
Hereditary cancer-predisposing syndrome. Also called: Tumor predisposition; Hereditary Cancer Syndrome; Neoplastic Syndromes, Hereditary; Hereditary neoplastic syndrome. Identifiers: Orphanet 140162, MedGen C0027672, MeSH D009386, MONDO:0015356.
Bloom syndrome (BLM). Also called: Bloom-Torre-Machacek syndrome. Identifiers: Orphanet 125, MedGen C0005859, MONDO:0008876, OMIM 210900.

Allele frequency attached by ClinVar (database versions not stated): gnomAD exomes below 0.00001.

Submissions (4):

Labcorp Genetics (formerly Invitae), Labcorp
Classification: Uncertain significance for Bloom syndrome. Last evaluated: 2025-12-10. Review status: criteria provided, single submitter. Criteria: Invitae Variant Classification Sherloc (09022015). Collection method: clinical testing. Allele origin: germline.
Comment: This sequence change replaces leucine, which is neutral and non-polar, with serine, which is neutral and polar, at codon 342 of the BLM protein (p.Leu342Ser). This variant is not present in population databases (gnomAD no frequency). This variant has not been reported in the literature in individuals affected with BLM-related conditions. ClinVar contains an entry for this variant (Variation ID: 822017). Invitae Evidence Modeling of protein sequence and biophysical properties (such as structural, functional, and spatial information, amino acid conservation, physicochemical variation, residue mobility, and thermodynamic stability) indicates that this missense variant is not expected to disrupt BLM protein function with a negative predictive value of 80%. In summary, the available evidence is currently insufficient to determine the role of this variant in disease. Therefore, it has been classified as a Variant of Uncertain Significance.

Quest Diagnostics Nichols Institute San Juan Capistrano
Classification: Uncertain significance. Last evaluated: 2023-05-25. Review status: criteria provided, single submitter. Criteria: Quest Diagnostics criteria. Collection method: clinical testing. Allele origin: unknown.
Comment: This variant has not been reported in the published literature. It also has not been reported in large, multi-ethnic general populations (Genome Aggregation Database). Analysis of this variant using bioinformatics tools for the prediction of the effect of amino acid changes on protein structure and function yielded predictions that this variant is benign. Based on the available information, we are unable to determine the clinical significance of this variant.

Ambry Genetics
Classification: Uncertain significance for Hereditary cancer-predisposing syndrome. Last evaluated: 2022-04-27. Review status: criteria provided, single submitter. Criteria: Ambry Variant Classification Scheme 2023. Collection method: clinical testing. Allele origin: germline.
Comment: The p.L342S variant (also known as c.1025T>C), located in coding exon 4 of the BLM gene, results from a T to C substitution at nucleotide position 1025. The leucine at codon 342 is replaced by serine, an amino acid with dissimilar properties. This amino acid position is well conserved in available vertebrate species. In addition, this alteration is predicted to be tolerated by in silico analysis. Since supporting evidence is limited at this time, the clinical significance of this alteration remains unclear.

Natera, Inc.
Classification: Uncertain significance for Bloom syndrome. Last evaluated: 2020-10-21. Review status: no assertion criteria provided. Collection method: clinical testing. Allele origin: germline. Not counted in ClinVar's aggregate classification.

NM_000057.4(BLM):c.1025T>C (p.Leu342Ser)

Gene: BLM (BLM RecQ like helicase; plus strand). Cytogenetic location: 15q26.1.
Variant type: single nucleotide variant.
Coding change: c.1025T>C on transcript NM_000057.4 (MANE Select); coding-DNA position 1025, T replaced by C.
Protein change: p.Leu342Ser; replaces leucine 342 with serine.
Molecular consequence: missense variant. On other transcripts: 5 prime UTR variant (1).
Genome position (GRCh38, 1-based): chr15:90,754,876, T>C. VCF-style: chr15-90754876-T-C. GRCh37 (hg19) VCF-style: chr15-91298106-T-C.
Other names: c.-267T>C (NM_001287248.2); c.1025T>C, p.Leu342Ser (NM_001287246.2, NM_001287247.2); c.1025T>C (NM_000057.3); short protein forms L342S.
Identifiers: ClinVar variation 822017 (VCV000822017.12), dbSNP rs1596223853, ClinGen allele CA393842125.
Genomic context (GRCh38, chr15:90,754,876, plus strand): 5'-TAAAGGACCTTGACACCTCTGACAGAAAAGAGGATGTTCTTAGCACATCAAAAGATCTTT[T>C]GTCAAAACCTGAGAAAATGAGTATGCAGGAGCTGAATCCAGAAACCAGCACAGACTGTGA-3'
Protein context (NP_000048.1, residues 332-352): EDVLSTSKDL[Leu342Ser]SKPEKMSMQE